The following is an entry in ClinVar:

ClinVar aggregate classification (germline): Uncertain significance (1 of 4 stars; one submission).

Allele frequency attached by ClinVar (database versions not stated): gnomAD exomes below 0.00001.
gnomAD v4.1: 3 of 1,614,160 alleles (0.00019%); highest among the groups gnomAD compares: South Asian, 0.0022%; no homozygotes.

Submission:

Labcorp Genetics (formerly Invitae), Labcorp
Classification: Uncertain significance. Last evaluated: 2023-08-14. Review status: criteria provided, single submitter. Criteria: Invitae Variant Classification Sherloc (09022015). Collection method: clinical testing. Allele origin: germline.
Comment: This sequence change replaces methionine, which is neutral and non-polar, with threonine, which is neutral and polar, at codon 805 of the PITPNM3 protein (p.Met805Thr). This variant is present in population databases (no rsID available, gnomAD 0.003%). This variant has not been reported in the literature in individuals affected with PITPNM3-related conditions. ClinVar contains an entry for this variant (Variation ID: 1476666). Advanced modeling of protein sequence and biophysical properties (such as structural, functional, and spatial information, amino acid conservation, physicochemical variation, residue mobility, and thermodynamic stability) performed at Invitae indicates that this missense variant is not expected to disrupt PITPNM3 protein function. In summary, the available evidence is currently insufficient to determine the role of this variant in disease. Therefore, it has been classified as a Variant of Uncertain Significance.

NM_031220.4(PITPNM3):c.2414T>C (p.Met805Thr)

Gene: PITPNM3 (PITPNM family member 3; minus strand). Cytogenetic location: 17p13.2.
Variant type: single nucleotide variant.
Coding change: c.2414T>C on transcript NM_031220.4 (MANE Select); coding-DNA position 2414, T replaced by C.
Protein change: p.Met805Thr; replaces methionine 805 with threonine.
Molecular consequence: missense variant.
Genome position (GRCh38, 1-based): chr17:6,461,449, A>G on the plus strand (T>C on the coding strand, the complement: PITPNM3 is on the minus strand). VCF-style: chr17-6461449-A-G. GRCh37 (hg19) VCF-style: chr17-6364769-A-G.
Other names: c.2306T>C, p.Met769Thr (NM_001165966.2); short protein forms M769T, M805T.
Identifiers: ClinVar variation 1476666 (VCV001476666.8), dbSNP rs1473947706, ClinGen allele CA397401960.